The following is an entry in ClinVar:

NM_001364171.2(ODAD1):c.1629CGC[6] (p.Ala546_Ala547dup)

Gene: ODAD1 (outer dynein arm docking complex subunit 1; minus strand). Cytogenetic location: 19q13.33.
Variant type: Microsatellite.
Coding change: c.1629CGC[6] on transcript NM_001364171.2 (MANE Select); six copies in a row of the 3-base unit CGC starting at c.1629; the reference has four copies in a row; two copies, 6 bases duplicated.
Protein change: p.Ala546_Ala547dup.
Molecular consequence: inframe insertion.
Genome position (GRCh38, 1-based): chr19:48,297,460-48,297,465, GCGGCG duplicated on the plus strand (CGCCGC on the coding strand, the reverse complement: ODAD1 is on the minus strand); duplicating any 6 consecutive bases within chr19:48,297,460-48,297,473 gives the same sequence; the position shown is the placement nearest the transcript's 3' end. VCF-style (leftmost placement, unchanged base first): chr19-48297459-C-CGCGGCG. GRCh37 (hg19) VCF-style: chr19-48800716-C-CGCGGCG.
Other names: c.1518CGC[6], p.Ala509_Ala510dup (NM_144577.4).
Identifiers: ClinVar variation 652723 (VCV000652723.7), dbSNP rs761748771, ClinGen allele CA9548597.

ClinVar aggregate classification (germline): Uncertain significance (1 of 4 stars; one submission).

Conditions:
Primary ciliary dyskinesia. Also called: Ciliary dyskinesia. Identifiers: Orphanet 244, MedGen C0008780, MONDO:0016575, HP:0012265.

Submission:

Labcorp Genetics (formerly Invitae), Labcorp
Classification: Uncertain significance for Primary ciliary dyskinesia. Last evaluated: 2022-04-01. Review status: criteria provided, single submitter. Criteria: Invitae Variant Classification Sherloc (09022015). Collection method: clinical testing. Allele origin: germline.
Comment: This variant, c.1524_1529dup, results in the insertion of 2 amino acid(s) of the CCDC114 protein (p.Ala509_Ala510dup), but otherwise preserves the integrity of the reading frame. This variant is present in population databases (rs761748771, gnomAD 0.001%). In summary, the available evidence is currently insufficient to determine the role of this variant in disease. Therefore, it has been classified as a Variant of Uncertain Significance. Experimental studies and prediction algorithms are not available or were not evaluated, and the functional significance of this variant is currently unknown. ClinVar contains an entry for this variant (Variation ID: 652723). This variant has not been reported in the literature in individuals affected with CCDC114-related conditions.